The following is an entry in ClinVar:

ClinVar aggregate classification (germline): Uncertain significance. Review status: criteria provided, multiple submitters, no conflicts (2 of 4 stars). 3 submissions from 3 submitters: Uncertain significance (3). Last evaluated 2025-07-04.

Conditions:
TBK1-related disorder. Also called: TBK1-related condition.
Frontotemporal dementia and/or amyotrophic lateral sclerosis 4. Also called: FTDALS4. Identifiers: Orphanet 275872, MedGen C4225325, MONDO:0014641, OMIM 616439.

Allele frequency attached by ClinVar (database versions not stated): ExAC 0.00001; gnomAD 0.00001; TOPMed 0.00001; gnomAD exomes 0.00002.
gnomAD v4.1: 26 of 1,569,122 alleles (0.0017%); highest among the groups gnomAD compares: African/African-American, 0.0027%; no homozygotes.

Submissions (3):

PreventionGenetics, part of Exact Sciences
Classification: Uncertain significance for TBK1-related condition. Last evaluated: 2025-07-04. Review status: criteria provided, single submitter. Criteria: ACMG Guidelines, 2015. Collection method: clinical testing. Allele origin: germline.
Comment: The TBK1 c.128T>G variant is predicted to result in the amino acid substitution p.Ile43Arg. To our knowledge, this variant has not been reported in the literature. This variant is reported in 0.0066% of alleles in individuals of African descent in gnomAD. At this time, the clinical significance of this variant is uncertain due to the absence of conclusive functional and genetic evidence.

Labcorp Genetics (formerly Invitae), Labcorp
Classification: Uncertain significance for Frontotemporal dementia and/or amyotrophic lateral sclerosis 4. Last evaluated: 2024-06-19. Review status: criteria provided, single submitter. Criteria: Invitae Variant Classification Sherloc (09022015). Collection method: clinical testing. Allele origin: germline.
Comment: This sequence change replaces isoleucine, which is neutral and non-polar, with arginine, which is basic and polar, at codon 43 of the TBK1 protein (p.Ile43Arg). This variant is present in population databases (rs756011825, gnomAD 0.007%). This variant has not been reported in the literature in individuals affected with TBK1-related conditions. ClinVar contains an entry for this variant (Variation ID: 2193351). Advanced modeling of protein sequence and biophysical properties (such as structural, functional, and spatial information, amino acid conservation, physicochemical variation, residue mobility, and thermodynamic stability) performed at Invitae indicates that this missense variant is not expected to disrupt TBK1 protein function with a negative predictive value of 95%. In summary, the available evidence is currently insufficient to determine the role of this variant in disease. Therefore, it has been classified as a Variant of Uncertain Significance.

GeneDx
Classification: Uncertain significance. Last evaluated: 2024-01-12. Review status: criteria provided, single submitter. Criteria: GeneDx Variant Classification Process June 2021. Collection method: clinical testing. Allele origin: germline. Affected: yes.
Comment: In silico analysis supports that this missense variant has a deleterious effect on protein structure/function; Has not been previously published as pathogenic or benign to our knowledge

NM_013254.4(TBK1):c.128T>G (p.Ile43Arg)

Gene: TBK1 (TANK binding kinase 1; plus strand). Cytogenetic location: 12q14.2.
Variant type: single nucleotide variant.
Coding change: c.128T>G on transcript NM_013254.4 (MANE Select); coding-DNA position 128, T replaced by G.
Protein change: p.Ile43Arg; replaces isoleucine 43 with arginine.
Molecular consequence: missense variant.
Genome position (GRCh38, 1-based): chr12:64,460,229, T>G. VCF-style: chr12-64460229-T-G. GRCh37 (hg19) VCF-style: chr12-64854009-T-G.
Other names: c.128T>G (NM_013254.3); short protein forms I43R.
Identifiers: ClinVar variation 2193351 (VCV002193351.6), dbSNP rs756011825, ClinGen allele CA6668723.
Genomic context (GRCh38, chr12:64,460,229, plus strand): 5'-TTTCTCTCTCTTTTTTAAAGAAAACTGGTGATTTATTTGCTATCAAAGTATTTAATAACA[T>G]AAGCTTCCTTCGTCCAGTGGATGTTCAAATGAGAGAATTTGAAGTGTTGAAAAAACTCAA-3'
Protein context (NP_037386.1, residues 33-53): DLFAIKVFNN[Ile43Arg]SFLRPVDVQM